The following is an entry in ClinVar:

NM_001039958.2(MESP2):c.197C>G (p.Ala66Gly)

Gene: MESP2 (mesoderm posterior bHLH transcription factor 2; plus strand). Cytogenetic location: 15q26.1.
Variant type: single nucleotide variant.
Coding change: c.197C>G on transcript NM_001039958.2 (MANE Select); coding-DNA position 197, C replaced by G.
Protein change: p.Ala66Gly; replaces alanine 66 with glycine.
Molecular consequence: missense variant.
Genome position (GRCh38, 1-based): chr15:89,776,554, C>G. VCF-style: chr15-89776554-C-G. GRCh37 (hg19) VCF-style: chr15-90319785-C-G.
Other names: short protein forms A66G.
Identifiers: ClinVar variation 38906 (VCV000038906.21), dbSNP rs71647809, ClinGen allele CA343152.

ClinVar aggregate classification (germline): Benign. Review status: criteria provided, multiple submitters, no conflicts (2 of 4 stars). 6 submissions from 6 submitters: Benign (4). 2 of the submissions do not count toward it. Last evaluated 2026-02-02.

Conditions:
Spondylocostal dysostosis 2, autosomal recessive (SCDO2). Also called: MESP2-Related Spondylocostal Dysostosis, Autosomal Recessive; Spondylocostal dysostosis type 2. Identifiers: Orphanet 2311, MedGen C1837549, MONDO:0012097, OMIM 608681.

Allele frequency attached by ClinVar (database versions not stated): ExAC 0.00355; ESP Exome Variant Server 0.02202; 1000 Genomes Project 0.03015; 1000 Genomes Project 30x 0.03295; TOPMed 0.03365.

Submissions (6):

Labcorp Genetics (formerly Invitae), Labcorp
Classification: Benign. Last evaluated: 2026-02-02. Review status: criteria provided, single submitter. Criteria: Invitae Variant Classification Sherloc (09022015). Collection method: clinical testing. Allele origin: germline.

Illumina Laboratory Services, Illumina
Classification: Benign for Spondylocostal dysostosis 2, autosomal recessive. Last evaluated: 2018-01-13. Review status: criteria provided, single submitter. Criteria: ICSL Variant Classification Criteria 13 December 2019. Collection method: clinical testing. Allele origin: germline.
Comment: This variant was observed in the ICSL laboratory as part of a predisposition screen in an ostensibly healthy population. It had not been previously curated by ICSL or reported in the Human Gene Mutation Database (HGMD: prior to June 1st, 2018), and was therefore a candidate for classification through an automated scoring system. Utilizing variant allele frequency, disease prevalence and penetrance estimates, and inheritance mode, an automated score was calculated to assess if this variant is too frequent to cause the disease. Based on the score and internal cut-off values, a variant classified as benign is not then subjected to further curation. The score for this variant resulted in a classification of benign for this disease.

Breakthrough Genomics
Classification: Benign. Review status: criteria provided, single submitter. Criteria: ACMG Guidelines, 2015. Collection method: not provided. Allele origin: germline. Inheritance: Autosomal recessive inheritance. Affected: yes.

PreventionGenetics, part of Exact Sciences
Classification: Benign. Review status: criteria provided, single submitter. Criteria: ACMG Guidelines, 2015. Collection method: clinical testing. Allele origin: germline.

Natera, Inc.
Classification: Benign for Spondylocostal dysostosis type 2. Last evaluated: 2020-09-16. Review status: no assertion criteria provided. Collection method: clinical testing. Allele origin: germline. Not counted in ClinVar's aggregate classification.

GeneReviews
Classification: Benign for Spondylothoracic Dysostosis. Last evaluated: 2010-08-05. Review status: no assertion criteria provided. Collection method: curation. Allele origin: unknown. Not counted in ClinVar's aggregate classification.
ClinVar note: Converted during submission from benign to Benign.